The following is an entry in ClinVar:

NM_007294.4(BRCA1):c.3114A>C (p.Glu1038Asp)

Gene: BRCA1 (BRCA1 DNA repair associated; minus strand). Cytogenetic location: 17q21.31.
Variant type: single nucleotide variant.
Coding change: c.3114A>C on transcript NM_007294.4 (MANE Select); coding-DNA position 3114, A replaced by C.
Protein change: p.Glu1038Asp; replaces glutamic acid 1038 with aspartic acid.
Molecular consequence: missense variant. On other transcripts: intron variant (137).
Genome position (GRCh38, 1-based): chr17:43,092,417, T>G on the plus strand (A>C on the coding strand, the complement: BRCA1 is on the minus strand). VCF-style: chr17-43092417-T-G. GRCh37 (hg19) VCF-style: chr17-41244434-T-G.
Other names: c.2901A>C, p.Glu967Asp (NM_001407571.1, NM_001407899.1, NM_001407853.1 and 9 more transcripts); c.3114A>C, p.Glu1038Asp (NM_001407581.1, NM_001407582.1, NM_001407583.1 and 30 more transcripts); c.3111A>C, p.Glu1037Asp (NM_001407587.1, NM_001407590.1, NM_001407591.1 and 22 more transcripts); c.3105A>C, p.Glu1035Asp (NM_001407646.1, NM_001407647.1); c.2991A>C, p.Glu997Asp (NM_001407648.1, NM_001407664.1, NM_001407665.1 and 19 more transcripts); c.2988A>C, p.Glu996Asp (NM_001407649.1, NM_001407670.1, NM_001407671.1 and 11 more transcripts); c.3036A>C, p.Glu1012Asp (NM_001407653.1, NM_001407654.1, NM_001407655.1 and 4 more transcripts); c.3033A>C, p.Glu1011Asp (NM_001407659.1, NM_001407660.1, NM_001407661.1 and 1 more transcripts); and 41 more; short protein forms E1038D, E991D, E1035D, E870D, E950D, E970D, E990D, E1037D.
Identifiers: ClinVar variation 927721 (VCV000927721.10), dbSNP rs1479034426, ClinGen allele CA10595758.

ClinVar aggregate classification (germline): Conflicting classifications of pathogenicity. Review status: criteria provided, conflicting classifications (1 of 4 stars). 5 submissions from 5 submitters: Uncertain significance (4); Likely benign (1). Last evaluated 2024-09-09.

Conditions:
Hereditary cancer-predisposing syndrome. Also called: Hereditary neoplastic syndrome; Tumor predisposition; Neoplastic Syndromes, Hereditary; Hereditary Cancer Syndrome. Identifiers: Orphanet 140162, MedGen C0027672, MeSH D009386, MONDO:0015356.
Hereditary breast ovarian cancer syndrome. Also called: Hereditary breast and ovarian cancer syndrome (HBOC); Hereditary breast and/or ovarian cancer syndrome; Hereditary breast and ovarian cancer; BRCA1- and BRCA2-Associated Hereditary Breast and Ovarian Cancer; Hereditary breast and ovarian cancer syndrome; Breast and ovarian cancer. Identifiers: Orphanet 145, MedGen C0677776, MeSH D061325, MONDO:0003582. Disease mechanism: loss of function.
Breast-ovarian cancer, familial, susceptibility to, 1 (BROVCA1). Also called: BRCA1 Hereditary Breast and Ovarian Cancer; OVARIAN CANCER, SUSCEPTIBILITY TO. Identifiers: Orphanet 145, MedGen C2676676, MONDO:0011450, OMIM 604370. Disease mechanism: loss of function.

Submissions (5):

Myriad Genetics, Inc.
Classification: Uncertain significance for Breast-ovarian cancer, familial, susceptibility to, 1. Last evaluated: 2024-09-09. Review status: criteria provided, single submitter. Criteria: Myriad Autosomal Dominant, Autosomal Recessive and X-Linked Classification Criteria (2023). Collection method: clinical testing. Allele origin: unknown.
Comment: This variant is classified as a variant of uncertain significance as there is insufficient evidence to determine its impact on protein function and/or cancer risk.

Labcorp Genetics (formerly Invitae), Labcorp
Classification: Uncertain significance for Hereditary breast ovarian cancer syndrome. Last evaluated: 2024-04-11. Review status: criteria provided, single submitter. Criteria: Invitae Variant Classification Sherloc (09022015). Collection method: clinical testing. Allele origin: germline.
Comment: This sequence change replaces glutamic acid, which is acidic and polar, with aspartic acid, which is acidic and polar, at codon 1038 of the BRCA1 protein (p.Glu1038Asp). This variant is not present in population databases (gnomAD no frequency). This variant has not been reported in the literature in individuals affected with BRCA1-related conditions. ClinVar contains an entry for this variant (Variation ID: 927721). Advanced modeling of protein sequence and biophysical properties (such as structural, functional, and spatial information, amino acid conservation, physicochemical variation, residue mobility, and thermodynamic stability) performed at Invitae indicates that this missense variant is not expected to disrupt BRCA1 protein function with a negative predictive value of 95%. In summary, the available evidence is currently insufficient to determine the role of this variant in disease. Therefore, it has been classified as a Variant of Uncertain Significance.

Ambry Genetics
Classification: Uncertain significance for Hereditary cancer-predisposing syndrome. Last evaluated: 2024-04-05. Review status: criteria provided, single submitter. Criteria: Ambry Variant Classification Scheme 2023. Collection method: clinical testing. Allele origin: germline.
Comment: The p.E1038D variant (also known as c.3114A>C), located in coding exon 9 of the BRCA1 gene, results from an A to C substitution at nucleotide position 3114. The glutamic acid at codon 1038 is replaced by aspartic acid, an amino acid with highly similar properties. This amino acid position is not well conserved in available vertebrate species. In addition, the in silico prediction for this alteration is inconclusive. Based on the available evidence, the clinical significance of this variant remains unclear.

University of Washington Department of Laboratory Medicine, University of Washington
Classification: Likely benign for Hereditary cancer-predisposing syndrome. Last evaluated: 2023-03-23. Review status: criteria provided, single submitter. Criteria: Dines et al. (Genet Med. 2020). Collection method: curation. Allele origin: germline.
Comment: Missense variant in a coldspot region where missense variants are very unlikely to be pathogenic (PMID:31911673).

BRCA1 coldspot (exon 11 using historical exon numbering). Reclassification based on statistical prior probability

Color Diagnostics, LLC DBA Color Health
Classification: Uncertain significance for Hereditary cancer-predisposing syndrome. Last evaluated: 2019-05-16. Review status: criteria provided, single submitter. Criteria: ACMG Guidelines, 2015. Collection method: clinical testing. Allele origin: germline.